The following is an entry in ClinVar:

NM_005120.3(MED12):c.4796C>T (p.Ser1599Phe)

Gene: MED12 (mediator complex subunit 12; plus strand). Cytogenetic location: Xq13.1.
Variant type: single nucleotide variant.
Coding change: c.4796C>T on transcript NM_005120.3 (MANE Select); coding-DNA position 4796, C replaced by T.
Protein change: p.Ser1599Phe; replaces serine 1599 with phenylalanine.
Molecular consequence: missense variant.
Genome position (GRCh38, 1-based): chrX:71,134,781, C>T. VCF-style: chrX-71134781-C-T. GRCh37 (hg19) VCF-style: chrX-70354631-C-T.
Other names: short protein forms S1599F.
Identifiers: ClinVar variation 3625516 (VCV003625516.2).

ClinVar aggregate classification (germline): Uncertain significance (1 of 4 stars; one submission).

Conditions:
FG syndrome (FGS). Identifiers: MedGen C0220769, MONDO:0002010.

gnomAD v4.1: 2 of 1,211,187 alleles (0.00017%); highest among the groups gnomAD compares: Non-Finnish European, 0.00022%; no homozygotes.

Submission:

Labcorp Genetics (formerly Invitae), Labcorp
Classification: Uncertain significance for FG syndrome. Last evaluated: 2024-07-15. Review status: criteria provided, single submitter. Criteria: Invitae Variant Classification Sherloc (09022015). Collection method: clinical testing. Allele origin: germline.
Comment: This sequence change replaces serine, which is neutral and polar, with phenylalanine, which is neutral and non-polar, at codon 1599 of the MED12 protein (p.Ser1599Phe). This variant is not present in population databases (gnomAD no frequency). This variant has not been reported in the literature in individuals affected with MED12-related conditions. Advanced modeling of protein sequence and biophysical properties (such as structural, functional, and spatial information, amino acid conservation, physicochemical variation, residue mobility, and thermodynamic stability) has been performed at Invitae for this missense variant, however the output from this modeling did not meet the statistical confidence thresholds required to predict the impact of this variant on MED12 protein function. In summary, the available evidence is currently insufficient to determine the role of this variant in disease. Therefore, it has been classified as a Variant of Uncertain Significance.